The following is an entry in ClinVar:

ClinVar aggregate classification (germline): Benign (0 of 4 stars; one submission).

Conditions:
ANKRD6-related disorder. Also called: ANKRD6-related condition.

Allele frequency attached by ClinVar (database versions not stated): gnomAD exomes 0.06489; ESP Exome Variant Server 0.11200; ExAC 0.11405; gnomAD 0.13788; TOPMed 0.14793; 1000 Genomes Project 0.22185; 1000 Genomes Project 30x 0.22486.
gnomAD v4.1: 117,103 of 1,613,750 alleles (7.3%); highest among the groups gnomAD compares: African/African-American, 30%; 9,146 homozygotes.

Submission:

PreventionGenetics, part of Exact Sciences
Classification: Benign for ANKRD6-related condition. Last evaluated: 2019-10-18. Review status: no assertion criteria provided. Collection method: clinical testing. Allele origin: germline.
Comment: This variant is classified as benign based on ACMG/AMP sequence variant interpretation guidelines (Richards et al. 2015 PMID: 25741868, with internal and published modifications).

NM_001242809.2(ANKRD6):c.698C>T (p.Thr233Met)

Gene: ANKRD6 (ankyrin repeat domain 6; plus strand). Cytogenetic location: 6q15.
Variant type: single nucleotide variant.
Coding change: c.698C>T on transcript NM_001242809.2 (MANE Select); coding-DNA position 698, C replaced by T.
Protein change: p.Thr233Met; replaces threonine 233 with methionine.
Molecular consequence: missense variant.
Genome position (GRCh38, 1-based): chr6:89,616,641, C>T. VCF-style: chr6-89616641-C-T. GRCh37 (hg19) VCF-style: chr6-90326360-C-T.
Other names: c.698C>T, p.Thr233Met (NM_001242811.1, NM_001242813.1, NM_014942.4); c.599C>T, p.Thr200Met (NM_001242814.1); short protein forms T200M, T233M.
Identifiers: ClinVar variation 3060427 (VCV003060427.2), dbSNP rs2273238, ClinGen allele CA3921241.